The following is an entry in ClinVar:

NM_003331.5(TYK2):c.2739_2758dup (p.Asn920fs)

Gene: TYK2 (tyrosine kinase 2; minus strand). Cytogenetic location: 19p13.2.
Variant type: Duplication.
Coding change: c.2739_2758dup on transcript NM_003331.5 (MANE Select); coding-DNA positions 2739 to 2758, 20 bases duplicated (GTACTGCTACGATCCGACCA).
Protein change: p.Asn920fs; shifts the reading frame from asparagine 920.
Molecular consequence: frameshift variant.
Genome position (GRCh38, 1-based): chr19:10,354,192-10,354,211, TGGTCGGATCGTAGCAGTAC duplicated on the plus strand (GTACTGCTACGATCCGACCA on the coding strand, the reverse complement: TYK2 is on the minus strand). VCF-style (leftmost placement, unchanged base first): chr19-10354191-T-TTGGTCGGATCGTAGCAGTAC. GRCh37 (hg19) VCF-style: chr19-10464867-T-TTGGTCGGATCGTAGCAGTAC.
Other names: c.2739_2758dup, p.Asn920fs (NM_001385197.1, NM_001385198.1, NM_001406461.1); c.2553_2572dup, p.Asn858fs (NM_001385199.1); c.2736_2755dup, p.Asn919fs (NM_001385200.1); c.2541_2560dup, p.Asn854fs (NM_001385201.1); c.2655_2674dup, p.Asn892fs (NM_001385202.1); c.2820_2839dup, p.Asn947fs (NM_001385203.1); c.2949_2968dup, p.Asn990fs (NM_001385204.1); c.2649_2668dup, p.Asn890fs (NM_001385205.1); and 2 more; short protein forms N854fs, N858fs, N878fs, N890fs, N892fs, N914fs, N919fs, N920fs.
Identifiers: ClinVar variation 4802964 (VCV004802964.1).

ClinVar aggregate classification (germline): Pathogenic (1 of 4 stars; one submission).

Conditions:
Immunodeficiency 35 (IMD35). Also called: HIES WITH ATYPICAL MYCOBACTERIOSIS, AUTOSOMAL RECESSIVE; HYPER-IgE SYNDROME WITH ATYPICAL MYCOBACTERIOSIS, AUTOSOMAL RECESSIVE; TYK2 DEFICIENCY; Susceptibility to infection due to TYK2 deficiency. Identifiers: Orphanet 331226, MedGen C1969086, MONDO:0012682, OMIM 611521.

Submission:

Labcorp Genetics (formerly Invitae), Labcorp
Classification: Pathogenic for Immunodeficiency 35. Last evaluated: 2025-12-15. Review status: criteria provided, single submitter. Criteria: Invitae Variant Classification Sherloc (09022015). Collection method: clinical testing. Allele origin: germline.
Comment: This sequence change creates a premature translational stop signal (p.Asn920Serfs*17) in the TYK2 gene. It is expected to result in an absent or disrupted protein product. Loss-of-function variants in TYK2 are known to be pathogenic (PMID: 22402565, 26304966). This variant is not present in population databases (gnomAD no frequency). This variant has not been reported in the literature in individuals affected with TYK2-related conditions. For these reasons, this variant has been classified as Pathogenic.

Literature cited by the submitters: PubMed 22402565; PubMed 26304966.